The following is an entry in ClinVar:

NM_001127222.2(CACNA1A):c.1839C>G (p.Ile613Met)

Gene: CACNA1A (calcium voltage-gated channel subunit alpha1 A; minus strand). Cytogenetic location: 19p13.13.
Variant type: single nucleotide variant.
Coding change: c.1839C>G on transcript NM_001127222.2 (MANE Select); coding-DNA position 1839, C replaced by G.
Protein change: p.Ile613Met; replaces isoleucine 613 with methionine.
Molecular consequence: missense variant.
Genome position (GRCh38, 1-based): chr19:13,308,194, G>C on the plus strand (C>G on the coding strand, the complement: CACNA1A is on the minus strand). VCF-style: chr19-13308194-G-C. GRCh37 (hg19) VCF-style: chr19-13419008-G-C.
Other names: c.1842C>G, p.Ile614Met (NM_000068.4, NM_001127221.2, NM_001174080.2 and 1 more transcripts); short protein forms I613M, I614M.
Identifiers: ClinVar variation 692001 (VCV000692001.3), dbSNP rs374686479, ClinGen allele CA404344874.
Genomic context (GRCh38, chr19:13,308,194, plus strand): 5'-TTGCATTCCCAAAAGGGCGAAGACGACAATGAACAGGAAAAGGAGAAACAACAGGCTGAT[G>C]ATGGACTTCATGGAGTTGAGGAGAGAGACGACCAGGTTTCTGAGAGATGCCCAGTACCTG-3'
Protein context (NP_001120694.1, residues 603-623): VVSLLNSMKS[Ile613Met]ISLLFLLFLF

ClinVar aggregate classification (germline): Likely pathogenic. Review status: criteria provided, multiple submitters, no conflicts (2 of 4 stars). 2 submissions from 2 submitters: Likely pathogenic (2). Last evaluated 2017-12-29.

Conditions:
Developmental and epileptic encephalopathy, 42 (DEE42A). Also called: Epileptic encephalopathy, early infantile, 42; DEVELOPMENTAL AND EPILEPTIC ENCEPHALOPATHY 42A; EPILEPTIC ENCEPHALOPATHY, EARLY INFANTILE, 42A. Identifiers: MedGen C4310716, MONDO:0014917, OMIM 617106.
Episodic ataxia type 2 (EA2). Also called: ACETAZOLAMIDE-RESPONSIVE HEREDITARY PAROXYSMAL CEREBELLAR ATAXIA; ATAXIA, FAMILIAL PAROXYSMAL; CEREBELLAR ATAXIA, PAROXYSMAL, ACETAZOLAMIDE-RESPONSIVE; CEREBELLOPATHY, HEREDITARY PAROXYSMAL; EPISODIC ATAXIA, NYSTAGMUS-ASSOCIATED; ATAXIA, EPISODIC, WITH NYSTAGMUS. Identifiers: Orphanet 97, MedGen C1720416, MONDO:0007163, OMIM 108500.
Spinocerebellar ataxia type 6 (SCA6). Identifiers: Orphanet 98758, MedGen C0752124, MONDO:0008457, OMIM 183086.
Migraine, familial hemiplegic, 1. Also called: MIGRAINE, FAMILIAL HEMIPLEGIC 1, WITH PROGRESSIVE CEREBELLAR ATAXIA. Identifiers: Orphanet 569, MedGen C1832884, MONDO:0020756, OMIM 141500, MONDO:0007714.

Submissions (2):

Rady Children's Institute for Genomic Medicine, Rady Children's Hospital San Diego
Classification: Likely pathogenic for EPISODIC ATAXIA, TYPE 2. Last evaluated: 2017-12-29. Review status: criteria provided, single submitter. Criteria: ACMG Guidelines, 2015. Collection method: clinical testing. Allele origin: germline. Affected: yes. Observed: 1 variant allele.
Comment: This variant has not been previously reported in the literature to our knowledge. The c.1839C>G (p.Ile613Met) variant is absent from population databases, thus is presumed to be rare. This variant affects a highly conserved amino acid and is predicted by multiple in silico tools to have a deleterious effect on protein function. Based on the combined evidence, the c.1839C>G (p.Ile613Met) variant is classified as likely pathogenic.

Center for Genomics, Ann and Robert H. Lurie Children's Hospital of Chicago
Classification: Likely pathogenic for Spinocerebellar ataxia type 6; Episodic ataxia type 2; Developmental and epileptic encephalopathy, 42; Migraine, familial hemiplegic, 1. Review status: criteria provided, single submitter. Criteria: ACMG Guidelines, 2015. Collection method: clinical testing. Allele origin: germline.
Comment: This variant is not present in large control databases. Evolutionary conservation and computational predictive tools suggest that this variant may impact the protein. In summary, data on this variant is highly suspicious for disease, but requires further evidence for pathogenicity. Therefore, this variant classified as likely pathogenic.